The following is an entry in ClinVar:

NM_024537.4(CARS2):c.1216G>A (p.Val406Met)

Gene: CARS2 (cysteinyl-tRNA synthetase 2, mitochondrial; minus strand). Cytogenetic location: 13q34.
Variant type: single nucleotide variant.
Coding change: c.1216G>A on transcript NM_024537.4 (MANE Select); coding-DNA position 1216, G replaced by A.
Protein change: p.Val406Met; replaces valine 406 with methionine.
Molecular consequence: missense variant. On other transcripts: non-coding transcript variant (2).
Genome position (GRCh38, 1-based): chr13:110,646,068, C>T on the plus strand (G>A on the coding strand, the complement: CARS2 is on the minus strand). VCF-style: chr13-110646068-C-T. GRCh37 (hg19) VCF-style: chr13-111298415-C-T.
Other names: c.430G>A, p.Val144Met (NM_001352252.2); short protein forms V144M, V406M.
Identifiers: ClinVar variation 2083074 (VCV002083074.1), dbSNP rs374377972, ClinGen allele CA7051861.

ClinVar aggregate classification (germline): Uncertain significance (1 of 4 stars; one submission).

Conditions:
Combined oxidative phosphorylation defect type 27. Also called: Combined oxidative phosphorylation deficiency 27. Identifiers: Orphanet 477774, MedGen C5567608, MONDO:0014728, OMIM 616672.

Allele frequency attached by ClinVar (database versions not stated): ExAC 0.00001; gnomAD exomes 0.00001; TOPMed 0.00001; gnomAD 0.00002; ESP Exome Variant Server 0.00008.
gnomAD v4.1: 17 of 1,613,576 alleles (0.0011%); highest among the groups gnomAD compares: Middle Eastern, 0.033%; no homozygotes.

Submission:

Labcorp Genetics (formerly Invitae), Labcorp
Classification: Uncertain significance for Combined oxidative phosphorylation defect type 27. Last evaluated: 2022-10-24. Review status: criteria provided, single submitter. Criteria: Invitae Variant Classification Sherloc (09022015). Collection method: clinical testing. Allele origin: germline.
Comment: This sequence change replaces valine, which is neutral and non-polar, with methionine, which is neutral and non-polar, at codon 406 of the CARS2 protein (p.Val406Met). This variant is present in population databases (rs374377972, gnomAD 0.008%). This variant has not been reported in the literature in individuals affected with CARS2-related conditions. Advanced modeling of protein sequence and biophysical properties (such as structural, functional, and spatial information, amino acid conservation, physicochemical variation, residue mobility, and thermodynamic stability) performed at Invitae indicates that this missense variant is not expected to disrupt CARS2 protein function. In summary, the available evidence is currently insufficient to determine the role of this variant in disease. Therefore, it has been classified as a Variant of Uncertain Significance.